The following is an entry in ClinVar:

ClinVar aggregate classification (germline): Pathogenic. Review status: criteria provided, multiple submitters, no conflicts (2 of 4 stars). 2 submissions from 2 submitters: Pathogenic (2). Last evaluated 2017-04-10.

Conditions:
Duchenne muscular dystrophy (DMD). Also called: MUSCULAR DYSTROPHY, PSEUDOHYPERTROPHIC PROGRESSIVE, DUCHENNE TYPE; Duchenne Muscular Dystrophy (DMD). Identifiers: Orphanet 98896, MedGen C0013264, MONDO:0010679, OMIM 310200.

Submissions (2):

Eurofins Ntd Llc (ga)
Classification: Pathogenic. Last evaluated: 2017-04-10. Review status: criteria provided, single submitter. Criteria: EGL Classification Definitions 2015. Collection method: clinical testing. Allele origin: germline. Observed: 1 variant allele, 1 heterozygote.

Athena Diagnostics
Classification: Pathogenic for Duchenne muscular dystrophy. Last evaluated: 2012-08-08. Review status: criteria provided, single submitter. Criteria: Athena Diagnostics Criteria. Collection method: clinical testing. Allele origin: germline. Inheritance: X-linked recessive inheritance.
Comment: X-linked recessive inheritance

Literature cited by the submitters: PubMed 17041906 (cited by Athena Diagnostics); PubMed 19937601 (cited by Athena Diagnostics).

NM_004006.3(DMD):c.7105G>T (p.Glu2369Ter)

Gene: DMD (dystrophin; minus strand). Cytogenetic location: Xp21.1.
Variant type: single nucleotide variant.
Coding change: c.7105G>T on transcript NM_004006.3 (MANE Select); coding-DNA position 7105, G replaced by T.
Protein change: p.Glu2369Ter; replaces glutamic acid 2369 with a stop codon.
Molecular consequence: nonsense. On other transcripts: 5 prime UTR variant (5).
Genome position (GRCh38, 1-based): chrX:31,836,813, C>A on the plus strand (G>T on the coding strand, the complement: DMD is on the minus strand). VCF-style: chrX-31836813-C-A. GRCh37 (hg19) VCF-style: chrX-31854930-C-A.
Other names: c.7081G>T, p.Glu2361Ter (NM_000109.4); c.7093G>T, p.Glu2365Ter (NM_004009.3); c.6736G>T, p.Glu2246Ter (NM_004010.3); c.3082G>T, p.Glu1028Ter (NM_004011.4); c.3073G>T, p.Glu1025Ter (NM_004012.4); c.-276G>T (NM_004013.3, NM_004020.4, NM_004021.3 and 2 more transcripts); short protein forms E2369*, E2246*, E2361*, E2365*, E1025*, E1028*.
Identifiers: ClinVar variation 217209 (VCV000217209.7), dbSNP rs863225008, ClinGen allele CA347515.
Genomic context (GRCh38, chrX:31,836,813, plus strand): 5'-AATGCTGCCCTTTAGACAAAATCTCTTCCACATCCGGTTGTTTAGCTTGAACTGCTATTT[C>A]AGTTTCCTGGGGAAAAGAACCCATATAGTGCAGATTAACTTCACAGTTAGCAATAAAATT-3'